The following is an entry in ClinVar:

NM_001161403.3(LIMS2):c.595G>C (p.Gly199Arg)

Gene: LIMS2 (LIM zinc finger domain containing 2; minus strand). Cytogenetic location: 2q14.3.
Variant type: single nucleotide variant.
Coding change: c.595G>C on transcript NM_001161403.3 (MANE Select); coding-DNA position 595, G replaced by C.
Protein change: p.Gly199Arg; replaces glycine 199 with arginine.
Molecular consequence: missense variant.
Genome position (GRCh38, 1-based): chr2:127,642,114, C>G on the plus strand (G>C on the coding strand, the complement: LIMS2 is on the minus strand). VCF-style: chr2-127642114-C-G. GRCh37 (hg19) VCF-style: chr2-128399689-C-G.
Other names: c.661G>C, p.Gly221Arg (NM_001136037.4); c.580G>C, p.Gly194Arg (NM_001161404.2); c.139G>C, p.Gly47Arg (NM_001161405.1, NM_001256542.2); c.667G>C, p.Gly223Arg (NM_017980.5); short protein forms G199R, G194R, G223R, G47R, G221R.
Identifiers: ClinVar variation 2724679 (VCV002724679.3), dbSNP rs747408703, ClinGen allele CA1862993.

ClinVar aggregate classification (germline): Uncertain significance (1 of 4 stars; one submission).

Conditions:
Autosomal recessive limb-girdle muscular dystrophy type 2W (MDRCMTT). Also called: Muscular dystrophy, limb-girdle, type 2W; Muscular dystrophy, autosomal recessive, with cardiomyopathy and triangular tongue. Identifiers: MedGen C4225192, MONDO:0014788, OMIM 616827.

Allele frequency attached by ClinVar (database versions not stated): ExAC 0.00001.
gnomAD v4.1: 5 of 1,608,024 alleles (0.00031%); highest among the groups gnomAD compares: African/African-American, 0.0053%; no homozygotes.

Submission:

Labcorp Genetics (formerly Invitae), Labcorp
Classification: Uncertain significance for Autosomal recessive limb-girdle muscular dystrophy type 2W. Last evaluated: 2023-09-23. Review status: criteria provided, single submitter. Criteria: Invitae Variant Classification Sherloc (09022015). Collection method: clinical testing. Allele origin: germline.
Comment: In summary, the available evidence is currently insufficient to determine the role of this variant in disease. Therefore, it has been classified as a Variant of Uncertain Significance. Advanced modeling of protein sequence and biophysical properties (such as structural, functional, and spatial information, amino acid conservation, physicochemical variation, residue mobility, and thermodynamic stability) performed at Invitae indicates that this missense variant is not expected to disrupt LIMS2 protein function. This variant has not been reported in the literature in individuals affected with LIMS2-related conditions. This variant is present in population databases (rs747408703, gnomAD 0.007%). This sequence change replaces glycine, which is neutral and non-polar, with arginine, which is basic and polar, at codon 221 of the LIMS2 protein (p.Gly221Arg).